The following is an entry in ClinVar:

ClinVar aggregate classification (germline): Uncertain significance. Review status: criteria provided, single submitter (1 of 4 stars). 2 submissions from 2 submitters: Uncertain significance (1). 1 of the submissions does not count toward it. Last evaluated 2022-12-14.

Conditions:
CREBBP-related disorder. Also called: CREBBP-related disorders; CREBBP-related condition.

Allele frequency attached by ClinVar (database versions not stated): gnomAD exomes below 0.00001; TOPMed below 0.00001; gnomAD 0.00001.
gnomAD v4.1: 2 of 1,601,100 alleles (0.00012%); highest among the groups gnomAD compares: African/African-American, 0.0027%; no homozygotes.

Submissions (2):

GeneDx
Classification: Uncertain significance. Last evaluated: 2022-12-14. Review status: criteria provided, single submitter. Criteria: GeneDx Variant Classification Process June 2021. Collection method: clinical testing. Allele origin: germline. Affected: yes.
Comment: Not observed at significant frequency in large population cohorts (gnomAD); In silico analysis supports that this missense variant has a deleterious effect on protein structure/function; Has not been previously published as pathogenic or benign to our knowledge

PreventionGenetics, part of Exact Sciences
Classification: Uncertain significance for CREBBP-related condition. Last evaluated: 2024-05-14. Review status: no assertion criteria provided. Collection method: clinical testing. Allele origin: germline. Not counted in ClinVar's aggregate classification.
Comment: The CREBBP c.3793G>A variant is predicted to result in the amino acid substitution p.Asp1265Asn. To our knowledge, this variant has not been reported in the literature or in a large population database, indicating this variant is rare. At this time, the clinical significance of this variant is uncertain due to the absence of conclusive functional and genetic evidence.

NM_004380.3(CREBBP):c.3793G>A (p.Asp1265Asn)

Gene: CREBBP (CREB binding lysine acetyltransferase; minus strand). Cytogenetic location: 16p13.3.
Variant type: single nucleotide variant.
Coding change: c.3793G>A on transcript NM_004380.3 (MANE Select); coding-DNA position 3793, G replaced by A.
Protein change: p.Asp1265Asn; replaces aspartic acid 1265 with asparagine.
Molecular consequence: missense variant.
Genome position (GRCh38, 1-based): chr16:3,749,670, C>T on the plus strand (G>A on the coding strand, the complement: CREBBP is on the minus strand). VCF-style: chr16-3749670-C-T. GRCh37 (hg19) VCF-style: chr16-3799671-C-T.
Other names: c.3679G>A, p.Asp1227Asn (NM_001079846.1); short protein forms D1227N, D1265N.
Identifiers: ClinVar variation 2505974 (VCV002505974.2), dbSNP rs976949877, ClinGen allele CA276991162.